The following is an entry in ClinVar:

ClinVar aggregate classification (germline): Likely benign (1 of 4 stars; one submission).

Submission:

CeGaT Center for Human Genetics Tuebingen
Classification: Likely benign. Last evaluated: 2025-10-01. Review status: criteria provided, single submitter. Criteria: CeGaT Center For Human Genetics Tuebingen Variant Classification Criteria Version 2. Collection method: clinical testing. Allele origin: germline. Affected: yes. Observed: 1 variant allele.
Comment: LMNB2: PM2:Supporting, BP4, BP7

NM_032737.4(LMNB2):c.600G>A (p.Lys200=)

Gene: LMNB2 (lamin B2; minus strand). Cytogenetic location: 19p13.3.
Variant type: single nucleotide variant.
Coding change: c.600G>A on transcript NM_032737.4 (MANE Select); coding-DNA position 600, G replaced by A.
Protein change: p.Lys200=; no amino-acid change (lysine 200 retained).
Molecular consequence: synonymous variant.
Genome position (GRCh38, 1-based): chr19:2,438,247, C>T on the plus strand (G>A on the coding strand, the complement: LMNB2 is on the minus strand). VCF-style: chr19-2438247-C-T. GRCh37 (hg19) VCF-style: chr19-2438245-C-T.
Identifiers: ClinVar variation 4534564 (VCV004534564.6).